The following is an entry in ClinVar:

ClinVar aggregate classification (germline): Likely benign. Review status: criteria provided, multiple submitters, no conflicts (2 of 4 stars). 2 submissions from 2 submitters: Likely benign (2). Last evaluated 2025-11-18.

Conditions:
CLPX-related disorder. Also called: CLPX-related condition.

Allele frequency attached by ClinVar (database versions not stated): 1000 Genomes Project 30x 0.00047; 1000 Genomes Project 0.00060; ESP Exome Variant Server 0.00062.

Submissions (2):

Labcorp Genetics (formerly Invitae), Labcorp
Classification: Likely benign. Last evaluated: 2025-11-18. Review status: criteria provided, single submitter. Criteria: Invitae Variant Classification Sherloc (09022015). Collection method: clinical testing. Allele origin: germline.

PreventionGenetics, part of Exact Sciences
Classification: Likely benign for CLPX-related condition. Last evaluated: 2025-06-16. Review status: criteria provided, single submitter. Criteria: ACMG Guidelines, 2015. Collection method: clinical testing. Allele origin: germline.
Comment: This variant is classified as likely benign based on ACMG/AMP sequence variant interpretation guidelines (Richards et al. 2015 PMID: 25741868, with internal and published modifications).

NM_006660.5(CLPX):c.41T>C (p.Val14Ala)

Gene: CLPX (caseinolytic mitochondrial matrix peptidase chaperone subunit X; minus strand). Cytogenetic location: 15q22.31.
Variant type: single nucleotide variant.
Coding change: c.41T>C on transcript NM_006660.5 (MANE Select); coding-DNA position 41, T replaced by C.
Protein change: p.Val14Ala; replaces valine 14 with alanine.
Molecular consequence: missense variant. On other transcripts: non-coding transcript variant (1).
Genome position (GRCh38, 1-based): chr15:65,185,113, A>G on the plus strand (T>C on the coding strand, the complement: CLPX is on the minus strand). VCF-style: chr15-65185113-A-G. GRCh37 (hg19) VCF-style: chr15-65477451-A-G.
Other names: c.41T>C (NM_006660.4); short protein forms V14A.
Identifiers: ClinVar variation 2044960 (VCV002044960.5), dbSNP rs150007907, ClinGen allele CA7615028.